The following is an entry in ClinVar:

NM_020693.4(DSCAML1):c.1309C>T (p.Pro437Ser)

Gene: DSCAML1 (DS cell adhesion molecule like 1; minus strand). Cytogenetic location: 11q23.3.
Variant type: single nucleotide variant.
Coding change: c.1309C>T on transcript NM_020693.4 (MANE Select); coding-DNA position 1309, C replaced by T.
Protein change: p.Pro437Ser; replaces proline 437 with serine.
Molecular consequence: missense variant.
Genome position (GRCh38, 1-based): chr11:117,518,667, G>A on the plus strand (C>T on the coding strand, the complement: DSCAML1 is on the minus strand). VCF-style: chr11-117518667-G-A. GRCh37 (hg19) VCF-style: chr11-117389382-G-A.
Other names: c.1309C>T, p.Pro437Ser (NM_001367904.1); c.901C>T, p.Pro301Ser (NM_001367905.1); c.1489C>T (NM_020693.2); short protein forms P437S, P301S.
Identifiers: ClinVar variation 1991446 (VCV001991446.5), dbSNP rs1460426419, ClinGen allele CA382745961.

ClinVar aggregate classification (germline): Uncertain significance. Review status: criteria provided, multiple submitters, no conflicts (2 of 4 stars). 2 submissions from 2 submitters: Uncertain significance (2). Last evaluated 2025-03-17.

Allele frequency attached by ClinVar (database versions not stated): gnomAD 0.00002; TOPMed 0.00002.
gnomAD v4.1: 6 of 1,613,222 alleles (0.00037%); highest among the groups gnomAD compares: African/African-American, 0.0013%; no homozygotes.

Submissions (2):

Ambry Genetics
Classification: Uncertain significance. Last evaluated: 2025-03-17. Review status: criteria provided, single submitter. Criteria: Ambry Variant Classification Scheme 2023. Collection method: clinical testing. Allele origin: germline.

Labcorp Genetics (formerly Invitae), Labcorp
Classification: Uncertain significance. Last evaluated: 2024-02-08. Review status: criteria provided, single submitter. Criteria: Invitae Variant Classification Sherloc (09022015). Collection method: clinical testing. Allele origin: germline.
Comment: This sequence change replaces proline, which is neutral and non-polar, with serine, which is neutral and polar, at codon 497 of the DSCAML1 protein (p.Pro497Ser). The frequency data for this variant in the population databases is considered unreliable, as metrics indicate poor data quality at this position in the gnomAD database. This variant has not been reported in the literature in individuals affected with DSCAML1-related conditions. ClinVar contains an entry for this variant (Variation ID: 1991446). An algorithm developed to predict the effect of missense changes on protein structure and function (PolyPhen-2) suggests that this variant is likely to be disruptive. In summary, the available evidence is currently insufficient to determine the role of this variant in disease. Therefore, it has been classified as a Variant of Uncertain Significance.